The following is an entry in ClinVar:

NM_025009.5(CEP135):c.1000G>A (p.Glu334Lys)

Gene: CEP135 (centrosomal protein 135; plus strand). Cytogenetic location: 4q12.
Variant type: single nucleotide variant.
Coding change: c.1000G>A on transcript NM_025009.5 (MANE Select); coding-DNA position 1000, G replaced by A.
Protein change: p.Glu334Lys; replaces glutamic acid 334 with lysine.
Molecular consequence: missense variant.
Genome position (GRCh38, 1-based): chr4:55,965,815, G>A. VCF-style: chr4-55965815-G-A. GRCh37 (hg19) VCF-style: chr4-56831981-G-A.
Other names: c.1000G>A (NM_025009.3); short protein forms E334K.
Identifiers: ClinVar variation 2417362 (VCV002417362.4), dbSNP rs376310237, ClinGen allele CA2927723.
Genomic context (GRCh38, chr4:55,965,815, plus strand): 5'-AAACTCTGCCAAGAATTAACTGAAATAGATCAGTTAGCACAGCAGTTGGAAAGACATAAA[G>A]AAGAAGTGCTTGAGACTGCTGATAAAGAGCTTGGGGAAGCAAAGGTAATGAATGATATGT-3'
Protein context (NP_079285.2, residues 324-344): QLAQQLERHK[Glu334Lys]EVLETADKEL

ClinVar aggregate classification (germline): Uncertain significance. Review status: criteria provided, multiple submitters, no conflicts (2 of 4 stars). 2 submissions from 2 submitters: Uncertain significance (2). Last evaluated 2024-01-22.

Conditions:
Inborn genetic diseases. Identifiers: MedGen C0950123, MeSH D030342.

Allele frequency attached by ClinVar (database versions not stated): gnomAD exomes 0.00002; TOPMed 0.00002; gnomAD 0.00003; ExAC 0.00005; ESP Exome Variant Server 0.00008.
gnomAD v4.1: 37 of 1,606,828 alleles (0.0023%); highest among the groups gnomAD compares: Non-Finnish European, 0.0028%; no homozygotes.

Submissions (2):

Ambry Genetics
Classification: Uncertain significance for Inborn genetic diseases. Last evaluated: 2024-01-22. Review status: criteria provided, single submitter. Criteria: Ambry Variant Classification Scheme 2023. Collection method: clinical testing. Allele origin: germline.

Labcorp Genetics (formerly Invitae), Labcorp
Classification: Uncertain significance. Last evaluated: 2022-07-11. Review status: criteria provided, single submitter. Criteria: Invitae Variant Classification Sherloc (09022015). Collection method: clinical testing. Allele origin: germline.
Comment: This sequence change replaces glutamic acid, which is acidic and polar, with lysine, which is basic and polar, at codon 334 of the CEP135 protein (p.Glu334Lys). This variant is present in population databases (rs376310237, gnomAD 0.006%). This variant has not been reported in the literature in individuals affected with CEP135-related conditions. Algorithms developed to predict the effect of missense changes on protein structure and function are either unavailable or do not agree on the potential impact of this missense change (SIFT: "Tolerated"; PolyPhen-2: "Possibly Damaging"; Align-GVGD: "Class C15"). In summary, the available evidence is currently insufficient to determine the role of this variant in disease. Therefore, it has been classified as a Variant of Uncertain Significance.